The following is an entry in ClinVar:

NM_000443.4(ABCB4):c.537-6T>G

Gene: ABCB4 (ATP binding cassette subfamily B member 4; minus strand). Cytogenetic location: 7q21.12.
Variant type: single nucleotide variant.
Coding change: c.537-6T>G on transcript NM_000443.4 (MANE Select); 6 bases into the intron before coding-DNA position 537, T replaced by G.
Molecular consequence: intron variant.
Genome position (GRCh38, 1-based): chr7:87,451,800, A>C on the plus strand (T>G on the coding strand, the complement: ABCB4 is on the minus strand). VCF-style: chr7-87451800-A-C. GRCh37 (hg19) VCF-style: chr7-87081116-A-C.
Other names: c.537-6T>G (NM_018850.3, NM_018849.3).
Identifiers: ClinVar variation 3256674 (VCV003256674.1).
Genomic context (GRCh38, chr7:87,451,800, plus strand): 5'-TTGAAAGAACATTCCAACCTTGTCACCAATTCCTTCACTGATTTTGGAGATGTCACTAAA[A>C]AAGATCACACCTAAGTGGTTACAGGCAGGAGGTTTCAGTTAGAAAGATGAAGTAGACATC-3'

ClinVar aggregate classification (germline): Uncertain significance (1 of 4 stars; one submission).

Conditions:
Low phospholipid associated cholelithiasis (GBD1). Also called: Gallstone cholecystitis; Gallbladder disease 1. Identifiers: Orphanet 69663, MedGen C2609268, MONDO:0010939, OMIM 600803.

Submission:

MVZ Medizinische Genetik Mainz
Classification: Uncertain significance for Low phospholipid associated cholelithiasis. Last evaluated: 2024-04-05. Review status: criteria provided, single submitter. Criteria: UK Practice Guidelines For Variant Classification V4 01 2020. Collection method: clinical testing. Allele origin: germline. Inheritance: Autosomal dominant inheritance. Affected: yes. Observed: 1 variant allele.
Comment: ACMG Criteria: PM2_SUP,PP3